The following is an entry in ClinVar:

NM_000313.4(PROS1):c.1568T>C (p.Met523Thr)

Gene: PROS1 (protein S; minus strand). Cytogenetic location: 3q11.1.
Variant type: single nucleotide variant.
Coding change: c.1568T>C on transcript NM_000313.4 (MANE Select); coding-DNA position 1568, T replaced by C.
Protein change: p.Met523Thr; replaces methionine 523 with threonine.
Molecular consequence: missense variant.
Genome position (GRCh38, 1-based): chr3:93,879,239, A>G on the plus strand (T>C on the coding strand, the complement: PROS1 is on the minus strand). VCF-style: chr3-93879239-A-G. GRCh37 (hg19) VCF-style: chr3-93598083-A-G.
Other names: c.1664T>C, p.Met555Thr (NM_001314077.2); short protein forms M523T, M555T.
Identifiers: ClinVar variation 1684342 (VCV001684342.1), dbSNP rs1483547708, ClinGen allele CA353671960.

ClinVar aggregate classification (germline): Uncertain significance (0 of 4 stars; one submission).

Conditions:
Protein S deficiency disease. Also called: Protein S deficiency. Identifiers: MedGen C0242666, MeSH D018455, MONDO:0002304.

Allele frequency attached by ClinVar (database versions not stated): gnomAD exomes below 0.00001.
gnomAD v4.1: 2 of 1,614,194 alleles (0.00012%); highest among the groups gnomAD compares: Non-Finnish European, 0.00017%; no homozygotes.

Submission:

ISTH-SSC Genomics in Thrombosis and Hemostasis, KU Leuven, Center for Molecular and Vascular Biology
Classification: Uncertain significance for Protein S deficiency disease. Review status: no assertion criteria provided. Collection method: clinical testing. Allele origin: unknown. Affected: yes.
Comment: Submitted to GoldVariant by Prof Kathleen Freson from Center for Molecular and Vascular Biology, Leuven, Belgium